The following is an entry in ClinVar:

NM_001448.3(GPC4):c.1425GAA[1] (p.Lys476del)

Gene: GPC4 (glypican 4; minus strand). Cytogenetic location: Xq26.2.
Variant type: Microsatellite.
Coding change: c.1425GAA[1] on transcript NM_001448.3 (MANE Select); one copy of the 3-base unit GAA starting at c.1425; the reference has two copies in a row; one copy, 3 bases deleted.
Protein change: p.Lys476del; deletes lysine 476.
Molecular consequence: inframe deletion.
Genome position (GRCh38, 1-based): chrX:133,303,204-133,303,206, TTC deleted on the plus strand (GAA on the coding strand, the reverse complement: GPC4 is on the minus strand); deleting any 3 consecutive bases within chrX:133,303,204-133,303,209 gives the same sequence; the position shown is the placement nearest the transcript's 3' end. VCF-style (leftmost placement, unchanged base first): chrX-133303203-ATTC-A. GRCh37 (hg19) VCF-style: chrX-132437231-ATTC-A.
Other names: short protein forms K476del.
Identifiers: ClinVar variation 1804949 (VCV001804949.1), dbSNP rs2520391196, ClinGen allele CA1139771239.
Genomic context (GRCh38, chrX:133,303,203, plus strand): 5'-ACTTTCAAACCACAAATGCTTACTGATATCAAAGAAGTCCACGTCGTTCCCATTGTATGC[ATTC>A]TTCATCTTGCTGGTCATCACTCGAAGAGCCATGATTTGACGAAGGATCAGTATGTCTGGT-3'

ClinVar aggregate classification (germline): Uncertain significance (1 of 4 stars; one submission).

Conditions:
Keipert syndrome (KPTS). Identifiers: Orphanet 2662, MedGen C1850627, MONDO:0009720, OMIM 301026.

Submission:

Victorian Clinical Genetics Services, Murdoch Childrens Research Institute
Classification: Uncertain significance for Keipert syndrome. Last evaluated: 2021-05-06. Review status: criteria provided, single submitter. Criteria: ACMG Guidelines, 2015. Collection method: clinical testing. Allele origin: germline. Inheritance: X-linked recessive inheritance.
Comment: Based on the classification scheme VCGS_Germline_v1.3.4, this variant is classified as VUS-3B. Following criteria are met: 0102 - Loss of function is a known mechanism of disease in this gene and is associated with Keipert syndrome (MIM#301026). (I) 0109 - This gene is associated with X-linked recessive disease. Female carriers may be mildly affected with a later onset of disease. (I) 0213 - In-frame deletion in a non-repetitive region that has high conservation. (SP) 0253 - This variant is hemizygous. (I) 0301 - Variant is absent from gnomAD (both v2 and v3). (SP) 0600 - Variant is located in the annotated glypican family domain (NCBI). (I) 0705 - No comparable in-frame deletion variants have previous evidence for pathogenicity. (I) 0807 - This variant has no previous evidence of pathogenicity. (I) 0905 - No published segregation evidence has been identified for this variant. (I) 1007 - No published functional evidence has been identified for this variant. (I) Legend: (SP) - Supporting pathogenic, (I) - Information, (SB) - Supporting benign